The following is an entry in ClinVar:

NM_016239.4(MYO15A):c.4143G>A (p.Gly1381=)

Gene: MYO15A (myosin XVA; plus strand). Cytogenetic location: 17p11.2.
Variant type: single nucleotide variant.
Coding change: c.4143G>A on transcript NM_016239.4 (MANE Select); coding-DNA position 4143, G replaced by A.
Protein change: p.Gly1381=; no amino-acid change (glycine 1381 retained).
Molecular consequence: synonymous variant.
Genome position (GRCh38, 1-based): chr17:18,131,468, G>A. VCF-style: chr17-18131468-G-A. GRCh37 (hg19) VCF-style: chr17-18034782-G-A.
Identifiers: ClinVar variation 3368877 (VCV003368877.1).

ClinVar aggregate classification (germline): Uncertain significance (1 of 4 stars; one submission).

gnomAD v4.1: 1 of 1,613,784 alleles (0.000062%); no homozygotes.

Submission:

GeneDx
Classification: Uncertain significance. Last evaluated: 2024-02-09. Review status: criteria provided, single submitter. Criteria: GeneDx Variant Classification Process June 2021. Collection method: clinical testing. Allele origin: germline. Affected: yes.
Comment: Has not been previously published as pathogenic or benign to our knowledge; In silico analysis is inconclusive as to whether the variant alters gene splicing. In the absence of RNA/functional studies, the actual effect of this sequence change is unknown.